The following is an entry in ClinVar:

ClinVar aggregate classification (germline): Uncertain significance (1 of 4 stars; one submission).

Submission:

GeneDx
Classification: Uncertain significance. Last evaluated: 2024-03-04. Review status: criteria provided, single submitter. Criteria: GeneDx Variant Classification Process June 2021. Collection method: clinical testing. Allele origin: germline. Affected: yes.
Comment: Not observed at significant frequency in large population cohorts (gnomAD); In silico analysis supports that this missense variant has a deleterious effect on protein structure/function; Has not been previously published as pathogenic or benign to our knowledge

NM_003470.3(USP7):c.1981T>G (p.Phe661Val)

Gene: USP7 (ubiquitin specific peptidase 7; minus strand). Cytogenetic location: 16p13.2.
Variant type: single nucleotide variant.
Coding change: c.1981T>G on transcript NM_003470.3 (MANE Select); coding-DNA position 1981, T replaced by G.
Protein change: p.Phe661Val; replaces phenylalanine 661 with valine.
Molecular consequence: missense variant. On other transcripts: non-coding transcript variant (1).
Genome position (GRCh38, 1-based): chr16:8,902,148, A>C on the plus strand (T>G on the coding strand, the complement: USP7 is on the minus strand). VCF-style: chr16-8902148-A-C. GRCh37 (hg19) VCF-style: chr16-8996005-A-C.
Other names: c.1933T>G, p.Phe645Val (NM_001286457.2); c.1684T>G, p.Phe562Val (NM_001286458.2); c.1807T>G, p.Phe603Val (NM_001321858.2); short protein forms F562V, F603V, F645V, F661V.
Identifiers: ClinVar variation 3373663 (VCV003373663.1).
Genomic context (GRCh38, chr16:8,902,148, plus strand): 5'-TATCAAACTTGGGTAAGGTCGCTCCACTAGCAGCCAGCTCGGGATCAACTGTTTCCAGGA[A>C]TATTGTCCAAGGGTTTTCATTATCACTGAGCTCAATCATCTATTTCCAAAAGAGACGCTG-3'
Protein context (NP_003461.2, residues 651-671): LSDNENPWTI[Phe661Val]LETVDPELAA